The following is an entry in ClinVar:

ClinVar aggregate classification (germline): Likely benign (1 of 4 stars; one submission).

Allele frequency attached by ClinVar (database versions not stated): gnomAD 0.00001; TOPMed 0.00001; gnomAD exomes 0.00003.
gnomAD v4.1: 17 of 652,550 alleles (0.0026%); highest among the groups gnomAD compares: Middle Eastern, 0.049%; no homozygotes.

Submission:

CeGaT Center for Human Genetics Tuebingen
Classification: Likely benign. Last evaluated: 2023-05-01. Review status: criteria provided, single submitter. Criteria: CeGaT Center For Human Genetics Tuebingen Variant Classification Criteria Version 2. Collection method: clinical testing. Allele origin: germline. Affected: yes. Observed: 2 variant alleles.
Comment: SHANK2: BP4, BS2

NM_012309.5(SHANK2):c.1477C>G (p.Pro493Ala)

Gene: SHANK2 (SH3 and multiple ankyrin repeat domains 2; minus strand). Cytogenetic location: 11q13.4.
Variant type: single nucleotide variant.
Coding change: c.1477C>G on transcript NM_012309.5 (MANE Select); coding-DNA position 1477, C replaced by G.
Protein change: p.Pro493Ala; replaces proline 493 with alanine.
Molecular consequence: missense variant.
Genome position (GRCh38, 1-based): chr11:70,820,380, G>C on the plus strand (C>G on the coding strand, the complement: SHANK2 is on the minus strand). VCF-style: chr11-70820380-G-C. GRCh37 (hg19) VCF-style: chr11-70666485-G-C.
Other names: c.340C>G, p.Pro114Ala (NM_001379226.1); short protein forms P114A, P493A.
Identifiers: ClinVar variation 2642092 (VCV002642092.24), dbSNP rs1396770215, ClinGen allele CA381958620.